The following is an entry in ClinVar:

ClinVar aggregate classification (germline): Benign/Likely benign. Review status: criteria provided, multiple submitters, no conflicts (2 of 4 stars). 5 submissions from 5 submitters: Benign (1); Likely benign (4). Last evaluated 2025-10-09.

Conditions:
Hereditary nonpolyposis colorectal neoplasms. Identifiers: MedGen C0009405, MeSH D003123.
Hereditary cancer-predisposing syndrome. Also called: Neoplastic Syndromes, Hereditary; Hereditary Cancer Syndrome; Tumor predisposition; Hereditary neoplastic syndrome. Identifiers: Orphanet 140162, MedGen C0027672, MeSH D009386, MONDO:0015356.
Lynch syndrome 4 (LYNCH4). Also called: Colorectal cancer, hereditary nonpolyposis, type 4; Hereditary non-polyposis colorectal cancer, type 4. Identifiers: Orphanet 144, MedGen C1838333, MONDO:0013699, OMIM 614337. Disease mechanism: loss of function.

Allele frequency attached by ClinVar (database versions not stated): gnomAD exomes below 0.00001; ExAC 0.00001.
gnomAD v4.1: 1 of 1,613,276 alleles (0.000062%); highest among the groups gnomAD compares: African/African-American, 0.0013%; no homozygotes.

Submissions (5):

Labcorp Genetics (formerly Invitae), Labcorp
Classification: Likely benign for Hereditary nonpolyposis colorectal neoplasms. Last evaluated: 2025-10-09. Review status: criteria provided, single submitter. Criteria: Invitae Variant Classification Sherloc (09022015). Collection method: clinical testing. Allele origin: germline.

CeGaT Center for Human Genetics Tuebingen
Classification: Likely benign. Last evaluated: 2025-08-01. Review status: criteria provided, single submitter. Criteria: CeGaT Center For Human Genetics Tuebingen Variant Classification Criteria Version 2. Collection method: clinical testing. Allele origin: germline. Affected: yes. Observed: 1 variant allele.
Comment: PMS2: BP4, BP7

Myriad Genetics, Inc.
Classification: Benign for Lynch syndrome 4. Last evaluated: 2025-01-28. Review status: criteria provided, single submitter. Criteria: Myriad Autosomal Dominant, Autosomal Recessive and X-Linked Classification Criteria (2023). Collection method: clinical testing. Allele origin: unknown.
Comment: This variant is considered benign. This variant is a silent/synonymous amino acid change and it is not expected to impact splicing.

GeneDx
Classification: Likely benign. Last evaluated: 2016-04-26. Review status: criteria provided, single submitter. Criteria: GeneDx Variant Classification (06012015). Collection method: clinical testing. Allele origin: germline. Affected: yes.
Comment: This variant is considered likely benign or benign based on one or more of the following criteria: it is a conservative change, it occurs at a poorly conserved position in the protein, it is predicted to be benign by multiple in silico algorithms, and/or has population frequency not consistent with disease.

Ambry Genetics
Classification: Likely benign for Hereditary cancer-predisposing syndrome. Last evaluated: 2015-03-08. Review status: criteria provided, single submitter. Criteria: Ambry Variant Classification Scheme 2023. Collection method: clinical testing. Allele origin: germline.

Literature cited by the submitters: PubMed 10199405 (cited by Ambry Genetics).

NM_000535.7(PMS2):c.828C>T (p.Cys276=)

Gene: PMS2 (PMS1 homolog 2, mismatch repair system component; minus strand). Cytogenetic location: 7p22.1.
Variant type: single nucleotide variant.
Coding change: c.828C>T on transcript NM_000535.7 (MANE Select); coding-DNA position 828, C replaced by T.
Protein change: p.Cys276=; no amino-acid change (cysteine 276 retained).
Molecular consequence: synonymous variant. On other transcripts: 5 prime UTR variant (2), non-coding transcript variant (1).
Genome position (GRCh38, 1-based): chr7:5,995,609, G>A on the plus strand (C>T on the coding strand, the complement: PMS2 is on the minus strand). VCF-style: chr7-5995609-G-A. GRCh37 (hg19) VCF-style: chr7-6035240-G-A.
Other names: c.423C>T, p.Cys141= (NM_001322003.2, NM_001322004.2, NM_001322005.2 and 2 more transcripts); c.828C>T, p.Cys276= (NM_001322006.2, NM_001322014.2); c.510C>T, p.Cys170= (NM_001322007.2, NM_001322008.2); c.-106C>T (NM_001322011.2, NM_001322012.2); c.255C>T, p.Cys85= (NM_001322013.2); c.519C>T, p.Cys173= (NM_001322015.2).
Identifiers: ClinVar variation 230650 (VCV000230650.25), dbSNP rs757324104, ClinGen allele CA051916.